The following is an entry in ClinVar:

ClinVar aggregate classification (germline): Pathogenic/Likely pathogenic. Review status: criteria provided, multiple submitters, no conflicts (2 of 4 stars). 4 submissions from 4 submitters: Pathogenic (1); Likely pathogenic (3). Last evaluated 2026-01-29.

Conditions:
Isovaleryl-CoA dehydrogenase deficiency (IVA). Also called: Classic Isovaleric Acidemia; IVD DEFICIENCY; ISOVALERIC ACID CoA DEHYDROGENASE DEFICIENCY; Isovaleric acidemia. Identifiers: Orphanet 33, MedGen C0268575, MONDO:0009475, OMIM 243500.

Allele frequency attached by ClinVar (database versions not stated): ExAC 0.00001; gnomAD exomes 0.00001 and 0.00002.
gnomAD v4.1: 28 of 1,613,718 alleles (0.0017%); highest among the groups gnomAD compares: Middle Eastern, 0.066%; no homozygotes.

Submissions (4):

Natera, Inc.
Classification: Pathogenic for Isovaleryl-coa dehydrogenase deficiency. Last evaluated: 2026-01-29. Review status: criteria provided, single submitter. Criteria: Natera Variant Classification Schema (03/2026). Collection method: clinical testing. Allele origin: germline.
Comment: The c.295+2T>C variant in IVD is a canonical splice donor site variant predicted to affect pre-mRNA splicing, which may result in an abnormal transcript and altered protein product. This variant is expected to result in nonsense mediated decay, truncation, or a dysfunctional protein product. This variant is rare in the general population with a frequency below the threshold expected for the associated phenotype(s). This variant has been observed in one or more individuals affected with the associated recessive disease, as either homozygous or compound heterozygous with a second variant (PMID: 39318119). Given the available evidence, this variant is classified as Pathogenic.

Fulgent Genetics
Classification: Likely pathogenic for Isovaleryl-CoA dehydrogenase deficiency. Last evaluated: 2024-03-13. Review status: criteria provided, single submitter. Criteria: ACMG Guidelines, 2015. Collection method: clinical testing. Allele origin: germline.

Labcorp Genetics (formerly Invitae), Labcorp
Classification: Likely pathogenic for Isovaleryl-CoA dehydrogenase deficiency. Last evaluated: 2024-01-07. Review status: criteria provided, single submitter. Criteria: Invitae Variant Classification Sherloc (09022015). Collection method: clinical testing. Allele origin: germline.
Comment: This sequence change affects a donor splice site in intron 3 of the IVD gene. It is expected to disrupt RNA splicing. Variants that disrupt the donor or acceptor splice site typically lead to a loss of protein function (PMID: 16199547), and loss-of-function variants in IVD are known to be pathogenic (PMID: 16602101). This variant is present in population databases (rs748026507, gnomAD 0.0009%). This variant has not been reported in the literature in individuals affected with IVD-related conditions. ClinVar contains an entry for this variant (Variation ID: 203788). Algorithms developed to predict the effect of sequence changes on RNA splicing suggest that this variant may disrupt the consensus splice site. In summary, the currently available evidence indicates that the variant is pathogenic, but additional data are needed to prove that conclusively. Therefore, this variant has been classified as Likely Pathogenic.

Baylor Genetics
Classification: Likely pathogenic for Isovaleryl-CoA dehydrogenase deficiency. Last evaluated: 2024-01-03. Review status: criteria provided, single submitter. Criteria: ACMG Guidelines, 2015. Collection method: clinical testing. Allele origin: unknown.

Literature cited by the submitters: PubMed 39318119 (cited by Natera, Inc.); PubMed 16199547 (cited by Labcorp Genetics (formerly Invitae), Labcorp); PubMed 16602101 (cited by Labcorp Genetics (formerly Invitae), Labcorp).

NM_002225.5(IVD):c.286+2T>C

Gene: IVD (isovaleryl-CoA dehydrogenase; plus strand). Cytogenetic location: 15q15.1.
Variant type: single nucleotide variant.
Coding change: c.286+2T>C on transcript NM_002225.5 (MANE Select); the canonical splice donor site of the intron after coding-DNA position 286, T replaced by C.
Molecular consequence: splice donor variant.
Genome position (GRCh38, 1-based): chr15:40,407,992, T>C. VCF-style: chr15-40407992-T-C. GRCh37 (hg19) VCF-style: chr15-40700191-T-C.
Other names: c.286+2T>C (NM_001354598.3, NM_001354601.3); c.238+2T>C (NM_001354597.3); c.373+2T>C (NM_001354599.3, NM_001354600.3); c.196+2T>C (NM_001159508.3).
Identifiers: ClinVar variation 203788 (VCV000203788.16), dbSNP rs748026507, ClinGen allele CA312662.
Genomic context (GRCh38, chr15:40,407,992, plus strand): 5'-TTGGCAGGAATTTTGGAAGCAGCTGGGGAACCTGGGCGTATTGGGCATCACAGCCCCTGG[T>C]GAGTATAGTGTCTTTCCCTAAAAAGAACTTTTCTTATGTGCCCTTTAAGACAGTTCCCAA-3'